The following is an entry in ClinVar:

ClinVar aggregate classification (germline): Uncertain significance (1 of 4 stars; one submission).

Submission:

GeneDx
Classification: Uncertain significance. Last evaluated: 2025-06-12. Review status: criteria provided, single submitter. Criteria: GeneDx Variant Classification Process June 2021. Collection method: clinical testing. Allele origin: germline. Affected: yes.
Comment: Not observed at significant frequency in large population cohorts (gnomAD); In silico analysis supports that this missense variant has a deleterious effect on protein structure/function; Has not been previously published as pathogenic or benign to our knowledge; Not located in one of the three hot-spot regions of the RYR2 gene, where the majority of pathogenic missense variants occur (PMID: 19926015); This variant is associated with the following publications: (PMID: 19926015)

NM_001035.3(RYR2):c.10234T>C (p.Phe3412Leu)

Gene: RYR2 (ryanodine receptor 2; plus strand). Cytogenetic location: 1q43.
Variant type: single nucleotide variant.
Coding change: c.10234T>C on transcript NM_001035.3 (MANE Select); coding-DNA position 10234, T replaced by C.
Protein change: p.Phe3412Leu; replaces phenylalanine 3412 with leucine.
Molecular consequence: missense variant.
Genome position (GRCh38, 1-based): chr1:237,711,748, T>C. VCF-style: chr1-237711748-T-C. GRCh37 (hg19) VCF-style: chr1-237875048-T-C.
Other names: short protein forms F3412L.
Identifiers: ClinVar variation 4537856 (VCV004537856.1).